The following is an entry in ClinVar:

ClinVar aggregate classification (germline): Uncertain significance. Review status: criteria provided, multiple submitters, no conflicts (2 of 4 stars). 5 submissions from 5 submitters: Uncertain significance (5). Last evaluated 2025-08-11.

Conditions:
Hereditary cancer-predisposing syndrome. Also called: Hereditary Cancer Syndrome; Neoplastic Syndromes, Hereditary; Hereditary neoplastic syndrome; Tumor predisposition. Identifiers: Orphanet 140162, MedGen C0027672, MeSH D009386, MONDO:0015356.
Nijmegen breakage syndrome-like disorder (NBSLD). Also called: MICROCEPHALY AND SPONTANEOUS CHROMOSOME INSTABILITY WITHOUT IMMUNODEFICIENCY; NBS-LIKE DISORDER; RAD50 DEFICIENCY. Identifiers: Orphanet 240760, MedGen C2751318, MONDO:0013118, OMIM 613078.

Allele frequency attached by ClinVar (database versions not stated): TOPMed below 0.00001; gnomAD 0.00001; gnomAD exomes 0.00001; ExAC 0.00002; ESP Exome Variant Server 0.00008.
gnomAD v4.1: 15 of 1,612,318 alleles (0.00093%); highest among the groups gnomAD compares: Admixed American, 0.0017%; no homozygotes.

Submissions (5):

Labcorp Genetics (formerly Invitae), Labcorp
Classification: Uncertain significance for Hereditary cancer-predisposing syndrome. Last evaluated: 2025-08-11. Review status: criteria provided, single submitter. Criteria: Invitae Variant Classification Sherloc (09022015). Collection method: clinical testing. Allele origin: germline.
Comment: This sequence change replaces arginine, which is basic and polar, with glutamine, which is neutral and polar, at codon 725 of the RAD50 protein (p.Arg725Gln). This variant is present in population databases (rs372808845, gnomAD 0.002%). This variant has not been reported in the literature in individuals affected with RAD50-related conditions. ClinVar contains an entry for this variant (Variation ID: 142934). Invitae Evidence Modeling of protein sequence and biophysical properties (such as structural, functional, and spatial information, amino acid conservation, physicochemical variation, residue mobility, and thermodynamic stability) indicates that this missense variant is not expected to disrupt RAD50 protein function with a negative predictive value of 80%. In summary, the available evidence is currently insufficient to determine the role of this variant in disease. Therefore, it has been classified as a Variant of Uncertain Significance.

Ambry Genetics
Classification: Uncertain significance for Hereditary cancer-predisposing syndrome. Last evaluated: 2025-05-02. Review status: criteria provided, single submitter. Criteria: Ambry Variant Classification Scheme 2023. Collection method: clinical testing. Allele origin: germline.
Comment: The p.R725Q variant (also known as c.2174G>A), located in coding exon 13 of the RAD50 gene, results from a G to A substitution at nucleotide position 2174. The arginine at codon 725 is replaced by glutamine, an amino acid with highly similar properties. This alteration was reported in conjunction with a duplication of exons 22-24 in RAD50 in an individual who underwent panel testing for hereditary cancer (Truty R et al. Genet Med, 2019 01;21:114-123). This amino acid position is well conserved in available vertebrate species. In addition, this alteration is predicted to be tolerated by in silico analysis. Since supporting evidence is limited at this time, the clinical significance of this alteration remains unclear.

Quest Diagnostics Nichols Institute San Juan Capistrano
Classification: Uncertain significance. Last evaluated: 2024-09-12. Review status: criteria provided, single submitter. Criteria: Quest Diagnostics criteria. Collection method: clinical testing. Allele origin: unknown.
Comment: The RAD50 c.2174G>A (p.Arg725Gln) variant has been reported in the published literature along with a RAD50 copy number variant in an individual undergoing genetic testing (PMID: 29895855 (2019)). The frequency of this variant in the general population, 0.000012 (3/249270 chromosomes (Genome Aggregation Database)), is uninformative in the assessment of its pathogenicity. Analysis of this variant using bioinformatics tools (i.e., MutationTaster and PolyPhen-2) for the prediction of the effect of amino acid changes on protein structure and function yielded predictions that this variant is benign. Based on the available information, we are unable to determine the clinical significance of this variant.

Baylor Genetics
Classification: Uncertain significance for Nijmegen breakage syndrome-like disorder. Last evaluated: 2023-08-07. Review status: criteria provided, single submitter. Criteria: ACMG Guidelines, 2015. Collection method: clinical testing. Allele origin: unknown.

KCCC/NGS Laboratory, Kuwait Cancer Control Center
Classification: Uncertain significance for Hereditary cancer-predisposing syndrome. Last evaluated: 2023-05-29. Review status: criteria provided, single submitter. Criteria: ACMG Guidelines, 2015. Collection method: clinical testing. Allele origin: unknown. Inheritance: Autosomal dominant inheritance. Affected: yes. Observed: 1 heterozygote.
Comment: variant of uncertain significance was detected in exon 13 of the RAD50 gene (c.2174G>A). This sequence change replaces arginine, which is basic and polar, with glutamine, which is neutral and polar, at codon 725 of the RAD50 protein (p.Arg725Gln). This variant is present in population databases (rs372808845, gnomAD 0.002%). This variant has not been reported in the literature in individuals affected with RAD50‐related conditions.This amino acid position is mild conserved (PhyloP=3.4) . ClinVar contains an entry for this variant (Variation ID: 142934). this alteration is predicted to be tolerated by in silico analysis. In summary, the available evidence is currently insufficient to determine the role of this variant in disease. Therefore, it has been classified as a Variant of Uncertain Significance.

Literature cited by the submitters: PubMed 29895855 (cited by Ambry Genetics and Quest Diagnostics Nichols Institute San Juan Capistrano).

NM_005732.4(RAD50):c.2174G>A (p.Arg725Gln)

Gene: RAD50 (RAD50 double strand break repair protein; plus strand). Cytogenetic location: 5q31.1.
Variant type: single nucleotide variant.
Coding change: c.2174G>A on transcript NM_005732.4 (MANE Select); coding-DNA position 2174, G replaced by A.
Protein change: p.Arg725Gln; replaces arginine 725 with glutamine.
Molecular consequence: missense variant.
Genome position (GRCh38, 1-based): chr5:132,595,777, G>A. VCF-style: chr5-132595777-G-A. GRCh37 (hg19) VCF-style: chr5-131931469-G-A.
Other names: short protein forms R725Q.
Identifiers: ClinVar variation 142934 (VCV000142934.18), dbSNP rs372808845, ClinGen allele CA169809.